The following is an entry in ClinVar:

NM_000268.4(NF2):c.1220A>C (p.Gln407Pro)

Gene: NF2 (NF2, moesin-ezrin-radixin like (MERLIN) tumor suppressor; plus strand). Cytogenetic location: 22q12.2.
Variant type: single nucleotide variant.
Coding change: c.1220A>C on transcript NM_000268.4 (MANE Select); coding-DNA position 1220, A replaced by C.
Protein change: p.Gln407Pro; replaces glutamine 407 with proline.
Molecular consequence: missense variant. On other transcripts: intron variant (1).
Genome position (GRCh38, 1-based): chr22:29,673,366, A>C. VCF-style: chr22-29673366-A-C. GRCh37 (hg19) VCF-style: chr22-30069355-A-C.
Other names: c.1106A>C, p.Gln369Pro (NM_001407053.1, NM_001407056.1); c.1097A>C, p.Gln366Pro (NM_001407054.1, NM_001407058.1, NM_181829.3); c.1094A>C, p.Gln365Pro (NM_001407055.1, NM_181828.3); c.1085A>C, p.Gln362Pro (NM_001407057.1, NM_001407059.1); c.1220A>C, p.Gln407Pro (NM_001407060.1, NM_001407066.1, NM_016418.5 and 2 more transcripts); c.962A>C, p.Gln321Pro (NM_001407062.1); c.971A>C, p.Gln324Pro (NM_001407063.1, NM_001407064.1, NM_181830.3 and 1 more transcripts); c.686A>C, p.Gln229Pro (NM_001407065.1); and 2 more; short protein forms Q229P, Q362P, Q365P, Q369P, Q407P, Q321P, Q324P, Q366P.
Identifiers: ClinVar variation 3662982 (VCV003662982.2).

ClinVar aggregate classification (germline): Uncertain significance (1 of 4 stars; one submission).

Conditions:
Neurofibromatosis, type 2 (SWNV). Also called: BILATERAL ACOUSTIC NEUROFIBROMATOSIS; SCHWANNOMATOSIS, VESTIBULAR; NF2-Related Schwannomatosis. Identifiers: Orphanet 637, MedGen C0027832, MONDO:0007039, OMIM 101000. Disease mechanism: loss of function.

Submission:

Labcorp Genetics (formerly Invitae), Labcorp
Classification: Uncertain significance for Neurofibromatosis, type 2. Last evaluated: 2024-08-20. Review status: criteria provided, single submitter. Criteria: Invitae Variant Classification Sherloc (09022015). Collection method: clinical testing. Allele origin: germline.
Comment: This sequence change replaces glutamine, which is neutral and polar, with proline, which is neutral and non-polar, at codon 407 of the NF2 protein (p.Gln407Pro). This variant is not present in population databases (gnomAD no frequency). This variant has not been reported in the literature in individuals affected with NF2-related conditions. Invitae Evidence Modeling of protein sequence and biophysical properties (such as structural, functional, and spatial information, amino acid conservation, physicochemical variation, residue mobility, and thermodynamic stability) has been performed for this missense variant. However, the output from this modeling did not meet the statistical confidence thresholds required to predict the impact of this variant on NF2 protein function. In summary, the available evidence is currently insufficient to determine the role of this variant in disease. Therefore, it has been classified as a Variant of Uncertain Significance.